The following is an entry in ClinVar:

ClinVar aggregate classification (germline): Likely pathogenic (1 of 4 stars; one submission).

Conditions:
ALG3-congenital disorder of glycosylation. Also called: CARBOHYDRATE-DEFICIENT GLYCOPROTEIN SYNDROME, TYPE IV; CDGS, TYPE IV; ALG3-CDG; CONGENITAL DISORDER OF GLYCOSYLATION, TYPE Id; CDG Id. Identifiers: Orphanet 79321, MedGen C1832736, MONDO:0010998, OMIM 601110.

gnomAD v4.1: 18 of 1,613,346 alleles (0.0011%); highest among the groups gnomAD compares: East Asian, 0.0022%; no homozygotes.

Submission:

First Genomix Gene Laboratory, Genetic Diagnostics Department
Classification: Likely pathogenic for ALG3-congenital disorder of glycosylation. Last evaluated: 2025-06-04. Review status: criteria provided, single submitter. Criteria: ACMG Guidelines, 2015. Collection method: clinical testing. Allele origin: germline. Inheritance: Autosomal recessive inheritance. Affected: no.

NM_005787.6(ALG3):c.511C>T (p.Arg171Trp)

Gene: ALG3 (ALG3 alpha-1,3- mannosyltransferase; minus strand). Cytogenetic location: 3q27.1.
Variant type: single nucleotide variant.
Coding change: c.511C>T on transcript NM_005787.6 (MANE Select); coding-DNA position 511, C replaced by T.
Protein change: p.Arg171Trp; replaces arginine 171 with tryptophan.
Molecular consequence: missense variant. On other transcripts: non-coding transcript variant (2).
Genome position (GRCh38, 1-based): chr3:184,245,292, G>A on the plus strand (C>T on the coding strand, the complement: ALG3 is on the minus strand). VCF-style: chr3-184245292-G-A. GRCh37 (hg19) VCF-style: chr3-183963080-G-A.
Other names: c.367C>T, p.Arg123Trp (NM_001006941.2); short protein forms R123W, R171W.
Identifiers: ClinVar variation 4849462 (VCV004849462.1).